The following is an entry in ClinVar:

ClinVar aggregate classification (germline): Uncertain significance (1 of 4 stars; one submission).

Conditions:
Autosomal recessive limb-girdle muscular dystrophy type 2O. Also called: Limb-Girdle Muscular Dystrophy Type 3C; MUSCULAR DYSTROPHY-DYSTROGLYCANOPATHY (LIMB-GIRDLE), TYPE C, 3; MUSCULAR DYSTROPHY-DYSTROGLYCANOPATHY, LIMB-GIRDLE, POMGNT1-RELATED. Identifiers: Orphanet 206564, MedGen C3150417, MONDO:0013161, OMIM 613157.
Muscular dystrophy-dystroglycanopathy (congenital with impaired intellectual development), type B, 3. Also called: Muscular dystrophy-dystroglycanopathy (congenital with intellectual disability), type B3; MUSCULAR DYSTROPHY, CONGENITAL, POMGNT1-RELATED. Identifiers: MedGen C3150412, MONDO:0013155, OMIM 613151.

gnomAD v4.1: 5 of 1,614,216 alleles (0.00031%); highest among the groups gnomAD compares: Non-Finnish European, 0.00042%; no homozygotes.

Submission:

Labcorp Genetics (formerly Invitae), Labcorp
Classification: Uncertain significance for Autosomal recessive limb-girdle muscular dystrophy type 2O; Muscular dystrophy-dystroglycanopathy (congenital with impaired intellectual development), type B, 3. Last evaluated: 2022-07-25. Review status: criteria provided, single submitter. Criteria: Invitae Variant Classification Sherloc (09022015). Collection method: clinical testing. Allele origin: germline.
Comment: In summary, the available evidence is currently insufficient to determine the role of this variant in disease. Therefore, it has been classified as a Variant of Uncertain Significance. Advanced modeling of protein sequence and biophysical properties (such as structural, functional, and spatial information, amino acid conservation, physicochemical variation, residue mobility, and thermodynamic stability) performed at Invitae indicates that this missense variant is not expected to disrupt POMGNT1 protein function. This variant has not been reported in the literature in individuals affected with POMGNT1-related conditions. This variant is not present in population databases (gnomAD no frequency). This sequence change replaces glycine, which is neutral and non-polar, with arginine, which is basic and polar, at codon 222 of the POMGNT1 protein (p.Gly222Arg).

NM_017739.4(POMGNT1):c.664G>C (p.Gly222Arg)

Genes: POMGNT1 (protein O-linked mannose N-acetylglucosaminyltransferase 1 (beta 1,2-); minus strand), TSPAN1 (tetraspanin 1; plus strand). Cytogenetic location: 1p34.1.
Variant type: single nucleotide variant.
Coding change: c.664G>C on transcript NM_017739.4 (MANE Select); coding-DNA position 664, G replaced by C.
Protein change: p.Gly222Arg; replaces glycine 222 with arginine.
Molecular consequence: missense variant.
Genome position (GRCh38, 1-based): chr1:46,194,640, C>G on the plus strand (G>C on the coding strand, the complement: POMGNT1 is on the minus strand). VCF-style: chr1-46194640-C-G. GRCh37 (hg19) VCF-style: chr1-46660312-C-G.
Other names: c.664G>C, p.Gly222Arg (NM_001243766.2, NM_001410783.1); c.598G>C, p.Gly200Arg (NM_001290129.3); c.235G>C, p.Gly79Arg (NM_001290130.2); short protein forms G200R, G222R, G79R.
Identifiers: ClinVar variation 2170535 (VCV002170535.4), dbSNP rs146965084, ClinGen allele CA340184637.